The following is an entry in ClinVar:

ClinVar aggregate classification (germline): Pathogenic (1 of 4 stars; one submission).

Submission:

Labcorp Genetics (formerly Invitae), Labcorp
Classification: Pathogenic. Last evaluated: 2024-06-10. Review status: criteria provided, single submitter. Criteria: Invitae Variant Classification Sherloc (09022015). Collection method: clinical testing. Allele origin: germline.
Comment: This sequence change creates a premature translational stop signal (p.Gly298Alafs*37) in the RASGRP2 gene. It is expected to result in an absent or disrupted protein product. Loss-of-function variants in RASGRP2 are known to be pathogenic (PMID: 27235135, 27663674). This variant is not present in population databases (gnomAD no frequency). This variant has not been reported in the literature in individuals affected with RASGRP2-related conditions. For these reasons, this variant has been classified as Pathogenic.

Literature cited by the submitters: PubMed 27235135; PubMed 27663674.

NM_001098671.2(RASGRP2):c.893del (p.Gly298fs)

Gene: RASGRP2 (RAS guanyl releasing protein 2; minus strand). Cytogenetic location: 11q13.1.
Variant type: Deletion.
Coding change: c.893del on transcript NM_001098671.2 (MANE Select); coding-DNA position 893, one base deleted (G; older notation c.893delG).
Protein change: p.Gly298fs; shifts the reading frame from glycine 298.
Molecular consequence: frameshift variant.
Genome position (GRCh38, 1-based): chr11:64,736,955, C deleted on the plus strand (G on the coding strand, the reverse complement: RASGRP2 is on the minus strand); the first of 3 consecutive C bases (chr11:64,736,955-64,736,957); deleting any one gives the same sequence. VCF-style (leftmost placement, unchanged base first): chr11-64736954-GC-G. GRCh37 (hg19) VCF-style: chr11-64504426-GC-G.
Other names: c.893del, p.Gly298fs (NM_001098670.2); c.458del, p.Gly153fs (NM_001318398.2); c.891delG, p.Gly298Alafs (NM_153819.2); short protein forms G153fs, G298fs.
Identifiers: ClinVar variation 3691677 (VCV003691677.2).
Genomic context (GRCh38, chr11:64,736,954, plus strand): 5'-CAGTGCCAGCTGCAGGGCCACCAGGTCCTTGAGGTGCACACCCAGGATCGGGAAGCGGAA[GC>G]CCACACAGGCTGCCAGCCGACGCCGGTAGTTGCCATAGTTGCCTGTCGCCGTCACTAGTT-3'